The following is an entry in ClinVar:

ClinVar aggregate classification (germline): Uncertain significance. Review status: criteria provided, multiple submitters, no conflicts (2 of 4 stars). 3 submissions from 2 submitters: Uncertain significance (3). Last evaluated 2023-06-12.

Conditions:
Cardiovascular phenotype. Identifiers: MedGen CN230736.
Long QT syndrome 5 (LQT5). Identifiers: Orphanet 101016, Orphanet 768, MedGen C1867904, MONDO:0013372, OMIM 613695.
Jervell and Lange-Nielsen syndrome 2 (JLNS2). Identifiers: Orphanet 768, Orphanet 90647, MedGen C2676723, MONDO:0012871, OMIM 612347.

Submissions (4):

Ambry Genetics
Classification: Uncertain significance for Cardiovascular phenotype. Last evaluated: 2023-06-12. Review status: criteria provided, single submitter. Criteria: Ambry Variant Classification Scheme 2023. Collection method: clinical testing. Allele origin: germline.
Comment: The p.E116A variant (also known as c.347A>C), located in coding exon 1 of the KCNE1 gene, results from an A to C substitution at nucleotide position 347. The glutamic acid at codon 116 is replaced by alanine, an amino acid with dissimilar properties. This amino acid position is highly conserved in available vertebrate species. In addition, this alteration is predicted to be deleterious by in silico analysis. Since supporting evidence is limited at this time, the clinical significance of this alteration remains unclear.

Illumina Laboratory Services, Illumina
Classification: Uncertain significance for Long QT syndrome 5. Last evaluated: 2018-01-13. Review status: criteria provided, single submitter. Criteria: ICSL Variant Classification Criteria 13 December 2019. Collection method: clinical testing. Allele origin: germline.

Illumina Laboratory Services, Illumina
Classification: Uncertain significance for Jervell and Lange-Nielsen syndrome 2. Last evaluated: 2018-01-13. Review status: criteria provided, single submitter. Criteria: ICSL Variant Classification Criteria 13 December 2019. Collection method: clinical testing. Allele origin: germline.

Roden Lab, Vanderbilt University Medical Center
No classification provided (evidence only). Condition: Long QT syndrome 5. Review status: no classification provided. Collection method: in vitro. Allele origin: not applicable. Functional consequence: Effect on ion channel function. Not counted in ClinVar's aggregate classification.
ClinVar note: "not provided" was previously submitted as the classification for the variant. However, the classification appeared to be based only on an observation of functional data so it was converted to no classification on 2025-07-30.

NM_000219.6(KCNE1):c.347A>C (p.Glu116Ala)

Gene: KCNE1 (potassium voltage-gated channel subfamily E regulatory subunit 1; minus strand). Cytogenetic location: 21q22.12.
Variant type: single nucleotide variant.
Coding change: c.347A>C on transcript NM_000219.6 (MANE Select); coding-DNA position 347, A replaced by C.
Protein change: p.Glu116Ala; replaces glutamic acid 116 with alanine.
Molecular consequence: missense variant.
Genome position (GRCh38, 1-based): chr21:34,449,288, T>G on the plus strand (A>C on the coding strand, the complement: KCNE1 is on the minus strand). VCF-style: chr21-34449288-T-G. GRCh37 (hg19) VCF-style: chr21-35821586-T-G.
Other names: c.347A>C (NM_000219.3); c.347A>C, p.Glu116Ala (NM_001127668.4, NM_001127669.4, NM_001127670.4 and 4 more transcripts); short protein forms E116A.
Identifiers: ClinVar variation 898534 (VCV000898534.8), dbSNP rs1235182008, ClinGen allele CA410197971.